The following is an entry in ClinVar:

NM_201253.3(CRB1):c.3037C>T (p.Gln1013Ter)

Gene: CRB1 (crumbs cell polarity complex component 1; plus strand). Cytogenetic location: 1q31.3.
Variant type: single nucleotide variant.
Coding change: c.3037C>T on transcript NM_201253.3 (MANE Select); coding-DNA position 3037, C replaced by T.
Protein change: p.Gln1013Ter; replaces glutamine 1013 with a stop codon.
Molecular consequence: nonsense. On other transcripts: non-coding transcript variant (2), intron variant (1).
Genome position (GRCh38, 1-based): chr1:197,434,900, C>T. VCF-style: chr1-197434900-C-T. GRCh37 (hg19) VCF-style: chr1-197404030-C-T.
Other names: c.2701C>T, p.Gln901Ter (NM_001193640.2); c.2965C>T, p.Gln989Ter (NM_001257965.2); c.2129-700C>T (NM_001257966.2); short protein forms Q1013*, Q901*, Q989*.
Identifiers: ClinVar variation 660235 (VCV000660235.13), dbSNP rs143511261, ClinGen allele CA1312264.

ClinVar aggregate classification (germline): Pathogenic/Likely pathogenic. Review status: criteria provided, multiple submitters, no conflicts (2 of 4 stars). 5 submissions from 5 submitters: Pathogenic (2); Likely pathogenic (2). 1 of the submissions does not count toward it. Last evaluated 2025-11-27.

Conditions:
Retinitis pigmentosa 12 (RP12). Also called: RP WITH OR WITHOUT PRESERVED PARAARTERIOLE RETINAL PIGMENT EPITHELIUM; RETINITIS PIGMENTOSA WITH OR WITHOUT PARAARTERIOLAR PRESERVATION OF RETINAL PIGMENT EPITHELIUM; RP WITH OR WITHOUT PPRPE. Identifiers: Orphanet 791, MedGen C1838647, MONDO:0010818, OMIM 600105.
Leber congenital amaurosis 8 (LCA8). Identifiers: Orphanet 65, MedGen C3151202, MONDO:0013453, OMIM 613835.
Pigmented paravenous retinochoroidal atrophy. Identifiers: Orphanet 251295, MedGen C1868310, MONDO:0008246, OMIM 172870.
CRB1-related disorder. Also called: CRB1-related disorders; CRB1-related condition.

Allele frequency attached by ClinVar (database versions not stated): gnomAD exomes below 0.00001 and 0.00002; ExAC 0.00001; TOPMed 0.00001; ESP Exome Variant Server 0.00008.
gnomAD v4.1: 28 of 1,613,856 alleles (0.0017%); highest among the groups gnomAD compares: Non-Finnish European, 0.0023%; no homozygotes.

Submissions (5):

Labcorp Genetics (formerly Invitae), Labcorp
Classification: Pathogenic for Leber congenital amaurosis 8; Retinitis pigmentosa 12. Last evaluated: 2025-11-27. Review status: criteria provided, single submitter. Criteria: Invitae Variant Classification Sherloc (09022015). Collection method: clinical testing. Allele origin: germline.
Comment: This sequence change creates a premature translational stop signal (p.Gln1013*) in the CRB1 gene. It is expected to result in an absent or disrupted protein product. Loss-of-function variants in CRB1 are known to be pathogenic (PMID: 10508521, 22065545, 23379534, 25412400, 26957898, 28041643, 29391521). This variant is present in population databases (rs143511261, gnomAD 0.0009%). This premature translational stop signal has been observed in individual(s) with early-onset retinal dystrophy (PMID: 20956273). ClinVar contains an entry for this variant (Variation ID: 660235). For these reasons, this variant has been classified as Pathogenic.

Fulgent Genetics
Classification: Likely pathogenic for Pigmented paravenous retinochoroidal atrophy; Retinitis pigmentosa 12; Leber congenital amaurosis 8. Last evaluated: 2024-02-18. Review status: criteria provided, single submitter. Criteria: ACMG Guidelines, 2015. Collection method: clinical testing. Allele origin: germline.

Baylor Genetics
Classification: Pathogenic for Leber congenital amaurosis 8. Last evaluated: 2023-12-27. Review status: criteria provided, single submitter. Criteria: ACMG Guidelines, 2015. Collection method: clinical testing. Allele origin: unknown.

Blueprint Genetics
Classification: Likely pathogenic for CRB1-related disorders. Last evaluated: 2021-10-03. Review status: criteria provided, single submitter. Criteria: ACMG Guidelines, 2015. Collection method: clinical testing. Allele origin: germline. Affected: yes. Observed: 1 variant allele.

Laboratory of Genetics in Ophthalmology, Institut Imagine
Classification: Pathogenic for Leber congenital amaurosis 8. Review status: no assertion criteria provided. Collection method: research. Allele origin: inherited. Affected: yes. Observed: 1 variant allele. Not counted in ClinVar's aggregate classification.

Literature cited by the submitters: PubMed 10508521 (cited by Labcorp Genetics (formerly Invitae), Labcorp); PubMed 22065545 (cited by Labcorp Genetics (formerly Invitae), Labcorp); PubMed 23379534 (cited by Labcorp Genetics (formerly Invitae), Labcorp); PubMed 25412400 (cited by Labcorp Genetics (formerly Invitae), Labcorp); PubMed 26957898 (cited by Labcorp Genetics (formerly Invitae), Labcorp); PubMed 28041643 (cited by Labcorp Genetics (formerly Invitae), Labcorp); PubMed 29391521 (cited by Labcorp Genetics (formerly Invitae), Labcorp); PubMed 20956273 (cited by Labcorp Genetics (formerly Invitae), Labcorp and Laboratory of Genetics in Ophthalmology, Institut Imagine).